The following is an entry in ClinVar:

NM_006941.4(SOX10):c.207dup (p.Val70fs)

Genes: POLR2F (RNA polymerase II, I and III subunit F; plus strand), SOX10 (SRY-box transcription factor 10; minus strand). Cytogenetic location: 22q13.1.
Variant type: Duplication.
Coding change: c.207dup on transcript NM_006941.4 (MANE Select); coding-DNA position 207, one base duplicated (C; older notation c.207dupC).
Protein change: p.Val70fs; shifts the reading frame from valine 70.
Molecular consequence: frameshift variant. On other transcripts: intron variant (3).
Genome position (GRCh38, 1-based): chr22:37,983,578, G duplicated on the plus strand (C on the coding strand, the reverse complement: SOX10 is on the minus strand); the first of 4 consecutive G bases (chr22:37,983,578-37,983,581); duplicating any one gives the same sequence. VCF-style (leftmost placement, unchanged base first): chr22-37983577-C-CG. GRCh37 (hg19) VCF-style: chr22-38379584-C-CG.
Other names: c.*38+11271dup (NM_001363825.1); c.294-2573dup (NM_001301130.2); c.293+16411dup (NM_001301131.2); short protein forms V70fs.
Identifiers: ClinVar variation 3601812 (VCV003601812.1).
Genomic context (GRCh38, chr22:37,983,577, plus strand): 5'-TGGGCACCAGCGTCCAGTCGTAGCCGCTGAGCACCTGGCTGACGGCCTCGCGGATGCACA[C>CG]GGGGAACTTGTCATCGTCCGCCTCGCCGTCCTGCTGCTCCTTCTTGACCTTGCCCAGCTC-3'

ClinVar aggregate classification (germline): Pathogenic (1 of 4 stars; one submission).

Conditions:
Waardenburg syndrome type 4C (WS4C). Also called: WAARDENBURG SYNDROME WITH HIRSCHSPRUNG DISEASE, TYPE 4C. Identifiers: Orphanet 897, MedGen C2750452, MONDO:0013202, OMIM 613266.

Submission:

Institute of Rare Diseases, West China Hospital, Sichuan University
Classification: Pathogenic for Waardenburg syndrome type 4C. Last evaluated: 2025-01-09. Review status: criteria provided, single submitter. Criteria: ClinGen HL ACMG Specifications v1. Collection method: research. Allele origin: germline. Affected: yes.
Comment: PM1;PVS1;PP4;PM2_Supporting